The following is an entry in ClinVar:

ClinVar aggregate classification (germline): Uncertain significance. Review status: criteria provided, multiple submitters, no conflicts (2 of 4 stars). 3 submissions from 3 submitters: Uncertain significance (3). Last evaluated 2026-01-20.

Conditions:
Familial hypocalciuric hypercalcemia (FHH). Also called: Familial benign hypercalcemia. Identifiers: Orphanet 405, MedGen C1809471, MONDO:0018458.
Autosomal dominant hypocalcemia 1 (HYPOC1). Also called: HYPOCALCEMIA, FAMILIAL. Identifiers: MedGen C3715128, MONDO:0011013, OMIM 601198.
Nephrolithiasis/nephrocalcinosis. Identifiers: MedGen CN580796.

Submissions (3):

Labcorp Genetics (formerly Invitae), Labcorp
Classification: Uncertain significance for Familial hypocalciuric hypercalcemia; Autosomal dominant hypocalcemia 1. Last evaluated: 2026-01-20. Review status: criteria provided, single submitter. Criteria: Invitae Variant Classification Sherloc (09022015). Collection method: clinical testing. Allele origin: germline.
Comment: This sequence change replaces histidine, which is basic and polar, with tyrosine, which is neutral and polar, at codon 715 of the CASR protein (p.His715Tyr). This variant is not present in population databases (gnomAD no frequency). This variant has not been reported in the literature in individuals affected with CASR-related conditions. ClinVar contains an entry for this variant (Variation ID: 1518856). An algorithm developed to predict the effect of missense changes on protein structure and function (PolyPhen-2) suggests that this variant is likely to be tolerated. In summary, the available evidence is currently insufficient to determine the role of this variant in disease. Therefore, it has been classified as a Variant of Uncertain Significance.

Mayo Clinic Laboratories, Mayo Clinic
Classification: Uncertain significance. Last evaluated: 2024-08-23. Review status: criteria provided, single submitter. Criteria: ACMG Guidelines, 2015. Collection method: clinical testing. Allele origin: germline. Observed: 1 variant allele.
Comment: PP2, PM2

Ambry Genetics
Classification: Uncertain significance for Nephrolithiasis/nephrocalcinosis. Last evaluated: 2022-06-20. Review status: criteria provided, single submitter. Criteria: Ambry Variant Classification Scheme 2023. Collection method: clinical testing. Allele origin: germline.
Comment: The p.H715Y variant (also known as c.2143C>T), located in coding exon 6 of the CASR gene, results from a C to T substitution at nucleotide position 2143. The histidine at codon 715 is replaced by tyrosine, an amino acid with similar properties. This amino acid position is conserved. In addition, the in silico prediction for this alteration is inconclusive. Since supporting evidence is limited at this time, the clinical significance of this alteration remains unclear.

NM_000388.4(CASR):c.2143C>T (p.His715Tyr)

Gene: CASR (calcium sensing receptor; plus strand). Cytogenetic location: 3q21.1.
Variant type: single nucleotide variant.
Coding change: c.2143C>T on transcript NM_000388.4 (MANE Select); coding-DNA position 2143, C replaced by T.
Protein change: p.His715Tyr; replaces histidine 715 with tyrosine.
Molecular consequence: missense variant.
Genome position (GRCh38, 1-based): chr3:122,284,097, C>T. VCF-style: chr3-122284097-C-T. GRCh37 (hg19) VCF-style: chr3-122002944-C-T.
Other names: p.His715Tyr; c.2173C>T, p.His725Tyr (NM_001178065.2); short protein forms H725Y, H715Y.
Identifiers: ClinVar variation 1518856 (VCV001518856.9), dbSNP rs2074932182, ClinGen allele CA354158748.